The following is an entry in ClinVar:

NM_000170.3(GLDC):c.*410G>C

Gene: GLDC (glycine decarboxylase; minus strand). Cytogenetic location: 9p24.1.
Variant type: single nucleotide variant.
Coding change: c.*410G>C on transcript NM_000170.3 (MANE Select); 410 bases downstream of the stop codon, G replaced by C.
Molecular consequence: 3 prime UTR variant.
Genome position (GRCh38, 1-based): chr9:6,532,607, C>G on the plus strand (G>C on the coding strand, the complement: GLDC is on the minus strand). VCF-style: chr9-6532607-C-G. GRCh37 (hg19) VCF-style: chr9-6532607-C-G.
Identifiers: ClinVar variation 367165 (VCV000367165.5), dbSNP rs35834773, ClinGen allele CA10633890.
Genomic context (GRCh38, chr9:6,532,607, plus strand): 5'-CACTCAGAAATGTGATTACAGATTAGGCATATTAGAGGAAAAAGAGTTCTTCAGGGTATA[C>G]AAAATGTAAACATTTGCCCTGGGATTTCCCACAGATGGCACAGTCCACATGGACTCTTTT-3'

ClinVar aggregate classification (germline): Benign (1 of 4 stars; one submission).

Conditions:
Glycine encephalopathy. Also called: Nonketotic hyperglycinemia; Non-ketotic hyperglycinemia. Identifiers: Orphanet 407, MedGen C0751748, MONDO:0011612, HP:0008288.

Allele frequency attached by ClinVar (database versions not stated): gnomAD exomes 0.00725; 1000 Genomes Project 0.04932; 1000 Genomes Project 30x 0.05340; TOPMed 0.05407.
gnomAD v4.1: 7,507 of 199,128 alleles (3.8%); highest among the groups gnomAD compares: African/African-American, 16%; 593 homozygotes.

Submission:

Illumina Laboratory Services, Illumina
Classification: Benign for Glycine encephalopathy 1. Last evaluated: 2018-01-12. Review status: criteria provided, single submitter. Criteria: ICSL Variant Classification Criteria 13 December 2019. Collection method: clinical testing. Allele origin: germline.
Comment: This variant was observed in the ICSL laboratory as part of a predisposition screen in an ostensibly healthy population. It had not been previously curated by ICSL or reported in the Human Gene Mutation Database (HGMD: prior to June 1st, 2018), and was therefore a candidate for classification through an automated scoring system. Utilizing variant allele frequency, disease prevalence and penetrance estimates, and inheritance mode, an automated score was calculated to assess if this variant is too frequent to cause the disease. Based on the score and internal cut-off values, a variant classified as benign is not then subjected to further curation. The score for this variant resulted in a classification of benign for this disease.